The following is an entry in ClinVar:

ClinVar aggregate classification (germline): Likely pathogenic (1 of 4 stars; one submission).

Conditions:
Wiedemann-Steiner syndrome (WDSTS). Also called: Growth deficiency and mental retardation with facial dysmorphism. Identifiers: Orphanet 319182, MedGen C1854630, MONDO:0011518, OMIM 605130.

Submission:

3billion
Classification: Likely pathogenic for Wiedemann-Steiner syndrome. Last evaluated: 2025-02-17. Review status: criteria provided, single submitter. Criteria: ACMG Guidelines, 2015. Collection method: clinical testing. Allele origin: germline. Affected: yes.
Comment: The variant is not observed in the gnomAD v4.1.0 dataset. Predicted Consequence/Location: Stop-gained (nonsense): predicted to result in a loss or disruption of normal protein function through nonsense-mediated decay (NMD) or protein truncation. Multiple pathogenic variants are reported downstream of the variant. Therefore, this variant is classified as Likely pathogenic according to the recommendation of ACMG/AMP guideline.

NM_001197104.2(KMT2A):c.430G>T (p.Glu144Ter)

Gene: KMT2A (lysine methyltransferase 2A; plus strand). Cytogenetic location: 11q23.3.
Variant type: single nucleotide variant.
Coding change: c.430G>T on transcript NM_001197104.2 (MANE Select); coding-DNA position 430, G replaced by T.
Protein change: p.Glu144Ter; replaces glutamic acid 144 with a stop codon.
Molecular consequence: nonsense.
Genome position (GRCh38, 1-based): chr11:118,436,942, G>T. VCF-style: chr11-118436942-G-T. GRCh37 (hg19) VCF-style: chr11-118307657-G-T.
Other names: c.430G>T, p.Glu144Ter (NM_001412597.1, NM_005933.4); short protein forms E144*.
Identifiers: ClinVar variation 4293442 (VCV004293442.1).
Genomic context (GRCh38, chr11:118,436,942, plus strand): 5'-ACCAACCTGCGCCGGTTCCGGGCCGTGTTTGGGGAGAGCGGCGGGGGAGGCGGCAGCGGA[G>T]AGGTAAGGGGGCGAGGAACCCCCAGGTCCGGGGTCTCGACCCTCTGCGGAGCCCCCTCCC-3'